The following is an entry in ClinVar:

ClinVar aggregate classification (germline): Uncertain significance. Review status: criteria provided, single submitter (1 of 4 stars). 2 submissions from 2 submitters: Uncertain significance (1). 1 of the submissions does not count toward it.

Conditions:
Autosomal recessive nonsyndromic hearing loss 1A (DFNB1A). Also called: GJB6-Related DFNB 1 Nonsyndromic Hearing Loss and Deafness; Deafness, autosomal recessive 1A; GJB2-Related Autosomal Recessive Nonsyndromic Hearing Loss; Connexin 26 deafness; Deafness nonsyndromic, Connexin 26 linked; Nonsyndromic Hearing Loss and Deafness, DFNB1. Identifiers: Orphanet 90636, MedGen C2673759, MONDO:0009076, OMIM 220290.

Submissions (2):

Juno Genomics, Hangzhou Juno Genomics, Inc
Classification: Uncertain significance for Autosomal recessive nonsyndromic hearing loss 1A. Review status: criteria provided, single submitter. Criteria: ACMG Guidelines, 2015. Collection method: clinical testing. Allele origin: germline.
Comment: Absent from controls (or at extremely low frequency if recessive) in Genome Aggregation Database.;Null variant in a gene where loss of function (LOF) is a known mechanism of disease.

Counsyl
Classification: Likely pathogenic for Autosomal recessive nonsyndromic hearing loss 1A. Last evaluated: 2018-05-29. Review status: no assertion criteria provided. Collection method: clinical testing. Allele origin: unknown. Not counted in ClinVar's aggregate classification.

NM_004004.6(GJB2):c.49_50del (p.Ser17fs)

Gene: GJB2 (gap junction protein beta 2; minus strand). Cytogenetic location: 13q12.11.
Variant type: Deletion.
Coding change: c.49_50del on transcript NM_004004.6 (MANE Select); coding-DNA positions 49 to 50, 2 bases deleted (TC; older notation c.49_50delTC).
Protein change: p.Ser17fs; shifts the reading frame from serine 17.
Molecular consequence: frameshift variant.
Genome position (GRCh38, 1-based): chr13:20,189,532-20,189,533, GA deleted on the plus strand (TC on the coding strand, the reverse complement: GJB2 is on the minus strand); deleting any 2 consecutive bases within chr13:20,189,532-20,189,534 gives the same sequence; the c. name uses the placement nearest the transcript's 3' end. VCF-style (leftmost placement, unchanged base first): chr13-20189531-GGA-G. GRCh37 (hg19) VCF-style: chr13-20763670-GGA-G.
Other names: short protein forms S17fs.
Identifiers: ClinVar variation 558543 (VCV000558543.4), dbSNP rs1555342007, ClinGen allele CA658823500.